The following is an entry in ClinVar:

NM_182641.4(BPTF):c.6112A>G (p.Asn2038Asp)

Gene: BPTF (bromodomain PHD finger transcription factor; plus strand). Cytogenetic location: 17q24.2.
Variant type: single nucleotide variant.
Coding change: c.6112A>G on transcript NM_182641.4 (MANE Select); coding-DNA position 6112, A replaced by G.
Protein change: p.Asn2038Asp; replaces asparagine 2038 with aspartic acid.
Molecular consequence: missense variant.
Genome position (GRCh38, 1-based): chr17:67,929,449, A>G. VCF-style: chr17-67929449-A-G. GRCh37 (hg19) VCF-style: chr17-65925565-A-G.
Other names: c.6490A>G, p.Asn2164Asp (NM_004459.7); short protein forms N2038D, N2164D.
Identifiers: ClinVar variation 3360703 (VCV003360703.1).

ClinVar aggregate classification (germline): Uncertain significance (1 of 4 stars; one submission).

gnomAD v4.1: 2 of 1,614,188 alleles (0.00012%); highest among the groups gnomAD compares: Non-Finnish European, 0.00017%; no homozygotes.

Submission:

GeneDx
Classification: Uncertain significance. Last evaluated: 2023-07-06. Review status: criteria provided, single submitter. Criteria: GeneDx Variant Classification Process June 2021. Collection method: clinical testing. Allele origin: germline. Affected: yes.
Comment: Not observed at significant frequency in large population cohorts (gnomAD); In silico analysis supports that this missense variant has a deleterious effect on protein structure/function; Has not been previously published as pathogenic or benign to our knowledge